The following is an entry in ClinVar:

NM_000038.6(APC):c.5566T>C (p.Phe1856Leu)

Gene: APC (APC regulator of Wnt signaling pathway; plus strand). Cytogenetic location: 5q22.2.
Variant type: single nucleotide variant.
Coding change: c.5566T>C on transcript NM_000038.6 (MANE Select); coding-DNA position 5566, T replaced by C.
Protein change: p.Phe1856Leu; replaces phenylalanine 1856 with leucine.
Molecular consequence: missense variant.
Genome position (GRCh38, 1-based): chr5:112,841,160, T>C. VCF-style: chr5-112841160-T-C. GRCh37 (hg19) VCF-style: chr5-112176857-T-C.
Other names: c.5566T>C, p.Phe1856Leu (NM_001127510.3, NM_001354895.2); c.5512T>C, p.Phe1838Leu (NM_001127511.3); c.5620T>C, p.Phe1874Leu (NM_001354896.2); c.5596T>C, p.Phe1866Leu (NM_001354897.2); c.5491T>C, p.Phe1831Leu (NM_001354898.2); c.5482T>C, p.Phe1828Leu (NM_001354899.2); c.5443T>C, p.Phe1815Leu (NM_001354900.2); c.5389T>C, p.Phe1797Leu (NM_001354901.2); and 5 more; short protein forms F1856L, F1838L, F1730L, F1755L, F1765L, F1828L, F1696L, F1797L.
Identifiers: ClinVar variation 630996 (VCV000630996.5), dbSNP rs1561601100, ClinGen allele CA16033511.

ClinVar aggregate classification (germline): Uncertain significance (1 of 4 stars; one submission).

Conditions:
Hereditary cancer-predisposing syndrome. Also called: Tumor predisposition; Neoplastic Syndromes, Hereditary; Hereditary neoplastic syndrome; Hereditary Cancer Syndrome. Identifiers: Orphanet 140162, MedGen C0027672, MeSH D009386, MONDO:0015356.

Submission:

Color Diagnostics, LLC DBA Color Health
Classification: Uncertain significance for Hereditary cancer-predisposing syndrome. Last evaluated: 2023-12-04. Review status: criteria provided, single submitter. Criteria: ACMG Guidelines, 2015. Collection method: clinical testing. Allele origin: germline.
Comment: This missense variant replaces phenylalanine with leucine at codon 1856 of the APC protein. Computational prediction suggests that this variant may have deleterious impact on protein structure and function (internally defined REVEL score threshold >= 0.7, PMID: 27666373). To our knowledge, functional studies have not been reported for this variant. This variant has not been reported in individuals affected with APC-related disorders in the literature. This variant has not been identified in the general population by the Genome Aggregation Database (gnomAD). The available evidence is insufficient to determine the role of this variant in disease conclusively. Therefore, this variant is classified as a Variant of Uncertain Significance.